The following is an entry in ClinVar:

ClinVar aggregate classification (germline): Pathogenic. Review status: criteria provided, multiple submitters, no conflicts (2 of 4 stars). 2 submissions from 2 submitters: Pathogenic (2). Last evaluated 2024-05-23.

Conditions:
Bardet-Biedl syndrome (BBS). Identifiers: Orphanet 110, MedGen C0752166, MONDO:0015229.
Bardet-Biedl syndrome 9 (BBS9). Identifiers: Orphanet 110, MedGen C1859567, MONDO:0014437, OMIM 615986.

Allele frequency attached by ClinVar (database versions not stated): gnomAD exomes below 0.00001; ExAC 0.00001.
gnomAD v4.1: 3 of 1,612,258 alleles (0.00019%); highest among the groups gnomAD compares: Admixed American, 0.0017%; no homozygotes.

Submissions (2):

Fulgent Genetics
Classification: Pathogenic for Bardet-Biedl syndrome 9. Last evaluated: 2024-05-23. Review status: criteria provided, single submitter. Criteria: ACMG Guidelines, 2015. Collection method: clinical testing. Allele origin: germline.

Labcorp Genetics (formerly Invitae), Labcorp
Classification: Pathogenic for Bardet-Biedl syndrome. Last evaluated: 2022-11-22. Review status: criteria provided, single submitter. Criteria: Invitae Variant Classification Sherloc (09022015). Collection method: clinical testing. Allele origin: germline.
Comment: For these reasons, this variant has been classified as Pathogenic. This variant has not been reported in the literature in individuals affected with BBS9-related conditions. This variant is present in population databases (rs749403663, gnomAD 0.003%). This sequence change creates a premature translational stop signal (p.Gln120*) in the BBS9 gene. It is expected to result in an absent or disrupted protein product. Loss-of-function variants in BBS9 are known to be pathogenic (PMID: 16380913, 20177705).

Literature cited by the submitters: PubMed 16380913 (cited by Labcorp Genetics (formerly Invitae), Labcorp); PubMed 20177705 (cited by Labcorp Genetics (formerly Invitae), Labcorp).

NM_198428.3(BBS9):c.358C>T (p.Gln120Ter)

Gene: BBS9 (Bardet-Biedl syndrome 9; plus strand). Cytogenetic location: 7p14.3.
Variant type: single nucleotide variant.
Coding change: c.358C>T on transcript NM_198428.3 (MANE Select); coding-DNA position 358, C replaced by T.
Protein change: p.Gln120Ter; replaces glutamine 120 with a stop codon.
Molecular consequence: nonsense. On other transcripts: 5 prime UTR variant (4), non-coding transcript variant (3).
Genome position (GRCh38, 1-based): chr7:33,177,507, C>T. VCF-style: chr7-33177507-C-T. GRCh37 (hg19) VCF-style: chr7-33217119-C-T.
Other names: c.358C>T, p.Gln120Ter (NM_001033604.2, NM_001033605.2, NM_001348036.1 and 7 more transcripts); c.-9C>T (NM_001348037.3, NM_001348044.3, NM_001348045.3 and 1 more transcripts); c.85C>T, p.Gln29Ter (NM_001348038.3, NM_001348039.3); c.223C>T, p.Gln75Ter (NM_001348042.3); short protein forms Q120*, Q75*, Q29*.
Identifiers: ClinVar variation 2158610 (VCV002158610.6), dbSNP rs749403663, ClinGen allele CA4213969.